The following is an entry in ClinVar:

NM_145290.4(ADGRA3):c.2774G>C (p.Ser925Thr)

Gene: ADGRA3 (adhesion G protein-coupled receptor A3; minus strand). Cytogenetic location: 4p15.2.
Variant type: single nucleotide variant.
Coding change: c.2774G>C on transcript NM_145290.4 (MANE Select); coding-DNA position 2774, G replaced by C.
Protein change: p.Ser925Thr; replaces serine 925 with threonine.
Molecular consequence: missense variant.
Genome position (GRCh38, 1-based): chr4:22,388,897, C>G on the plus strand (G>C on the coding strand, the complement: ADGRA3 is on the minus strand). VCF-style: chr4-22388897-C-G. GRCh37 (hg19) VCF-style: chr4-22390520-C-G.
Other names: c.2774G>C (NM_145290.2); short protein forms S925T.
Identifiers: ClinVar variation 1011565 (VCV001011565.9), dbSNP rs201366227, ClinGen allele CA2873504.
Genomic context (GRCh38, chr4:22,388,897, plus strand): 5'-TGTCTTTTCAACTGAATAAATATGCTCAGAAAGTACATGCAGTTTACAAAAGTGATGAAG[C>G]TGGCTGGCCCATAGAAGGCTCCCAAGGAGGGTTCCCATGCCATCCAGCAACTGGAAAAGA-3'
Protein context (NP_660333.2, residues 915-935): PSLGAFYGPA[Ser925Thr]FITFVNCMYF

ClinVar aggregate classification (germline): Uncertain significance. Review status: criteria provided, multiple submitters, no conflicts (2 of 4 stars). 2 submissions from 2 submitters: Uncertain significance (2). Last evaluated 2025-11-17.

Allele frequency attached by ClinVar (database versions not stated): ExAC 0.00002; gnomAD exomes 0.00002 and 0.00003; TOPMed 0.00002; gnomAD 0.00003; ESP Exome Variant Server 0.00008.
gnomAD v4.1: 31 of 1,613,996 alleles (0.0019%); highest among the groups gnomAD compares: Non-Finnish European, 0.00059%; no homozygotes.

Submissions (2):

Labcorp Genetics (formerly Invitae), Labcorp
Classification: Uncertain significance. Last evaluated: 2025-11-17. Review status: criteria provided, single submitter. Criteria: Invitae Variant Classification Sherloc (09022015). Collection method: clinical testing. Allele origin: germline.
Comment: This sequence change replaces serine, which is neutral and polar, with threonine, which is neutral and polar, at codon 925 of the ADGRA3 protein (p.Ser925Thr). This variant is present in population databases (rs201366227, gnomAD 0.08%), and has an allele count higher than expected for a pathogenic variant. This variant has not been reported in the literature in individuals affected with ADGRA3-related conditions. ClinVar contains an entry for this variant (Variation ID: 1011565). An algorithm developed to predict the effect of missense changes on protein structure and function (PolyPhen-2) suggests that this variant is likely to be tolerated. In summary, the available evidence is currently insufficient to determine the role of this variant in disease. Therefore, it has been classified as a Variant of Uncertain Significance.

Ambry Genetics
Classification: Uncertain significance. Last evaluated: 2023-10-12. Review status: criteria provided, single submitter. Criteria: Ambry Variant Classification Scheme 2023. Collection method: clinical testing. Allele origin: germline.